The following is an entry in ClinVar:

ClinVar aggregate classification (germline): Uncertain significance. Review status: criteria provided, multiple submitters, no conflicts (2 of 4 stars). 2 submissions from 2 submitters: Uncertain significance (2). Last evaluated 2025-08-20.

Conditions:
Pityriasis rubra pilaris (PRP). Also called: Pityriasis rubra pilaris--familial type. Identifiers: Orphanet 2897, MedGen C0032027, MONDO:0100017, OMIM 173200, MONDO:0008251.
Psoriasis 2. Identifiers: MedGen C1864497, MONDO:0011269, OMIM 602723.
Inborn genetic diseases. Identifiers: MedGen C0950123, MeSH D030342.

gnomAD v4.1: 1 of 1,549,586 alleles (0.000065%); highest among the groups gnomAD compares: African/African-American, 0.0014%; no homozygotes.

Submissions (2):

Ambry Genetics
Classification: Uncertain significance for Inborn genetic diseases. Last evaluated: 2025-08-20. Review status: criteria provided, single submitter. Criteria: Ambry Variant Classification Scheme 2023. Collection method: clinical testing. Allele origin: germline.

Labcorp Genetics (formerly Invitae), Labcorp
Classification: Uncertain significance for Pityriasis rubra pilaris; Psoriasis 2. Last evaluated: 2022-07-08. Review status: criteria provided, single submitter. Criteria: Invitae Variant Classification Sherloc (09022015). Collection method: clinical testing. Allele origin: germline.
Comment: This sequence change replaces glycine, which is neutral and non-polar, with cysteine, which is neutral and slightly polar, at codon 133 of the CARD14 protein (p.Gly133Cys). This variant is not present in population databases (gnomAD no frequency). This variant has not been reported in the literature in individuals affected with CARD14-related conditions. Algorithms developed to predict the effect of missense changes on protein structure and function are either unavailable or do not agree on the potential impact of this missense change (SIFT: "Deleterious"; PolyPhen-2: "Possibly Damaging"; Align-GVGD: "Class C0"). In summary, the available evidence is currently insufficient to determine the role of this variant in disease. Therefore, it has been classified as a Variant of Uncertain Significance.

NM_001366385.1(CARD14):c.397G>T (p.Gly133Cys)

Gene: CARD14 (caspase recruitment domain family member 14; plus strand). Cytogenetic location: 17q25.3.
Variant type: single nucleotide variant.
Coding change: c.397G>T on transcript NM_001366385.1 (MANE Select); coding-DNA position 397, G replaced by T.
Protein change: p.Gly133Cys; replaces glycine 133 with cysteine.
Molecular consequence: missense variant. On other transcripts: non-coding transcript variant (1).
Genome position (GRCh38, 1-based): chr17:80,183,960, G>T. VCF-style: chr17-80183960-G-T. GRCh37 (hg19) VCF-style: chr17-78157759-G-T.
Other names: c.397G>T (NM_024110.3); c.397G>T, p.Gly133Cys (NM_001257970.1, NM_024110.4); short protein forms G133C.
Identifiers: ClinVar variation 2133536 (VCV002133536.5), dbSNP rs141488664, ClinGen allele CA401335855.